The following is an entry in ClinVar:

ClinVar aggregate classification (germline): Conflicting classifications of pathogenicity. Review status: criteria provided, conflicting classifications (1 of 4 stars). 9 submissions from 9 submitters: Uncertain significance (4); Likely benign (2). 3 of the submissions do not count toward it. Last evaluated 2025-12-09.

Conditions:
BRCA2-related disorder. Also called: BRCA2-related condition; BRCA2-related disorders. Identifiers: MedGen CN239275.
Hereditary cancer-predisposing syndrome. Also called: Neoplastic Syndromes, Hereditary; Hereditary Cancer Syndrome; Tumor predisposition; Hereditary neoplastic syndrome. Identifiers: Orphanet 140162, MedGen C0027672, MeSH D009386, MONDO:0015356.
Hereditary breast ovarian cancer syndrome. Also called: Hereditary breast and/or ovarian cancer syndrome; Hereditary breast and ovarian cancer syndrome (HBOC); Hereditary breast and ovarian cancer syndrome; Hereditary breast and ovarian cancer; Breast and ovarian cancer; BRCA1- and BRCA2-Associated Hereditary Breast and Ovarian Cancer. Identifiers: Orphanet 145, MedGen C0677776, MeSH D061325, MONDO:0003582. Disease mechanism: loss of function.
Breast-ovarian cancer, familial, susceptibility to, 2 (BROVCA2). Also called: BRCA2 Hereditary Breast and Ovarian Cancer. Identifiers: Orphanet 145, MedGen C2675520, MONDO:0012933, OMIM 612555. Disease mechanism: loss of function.

gnomAD v4.1: 8 of 1,614,010 alleles (0.0005%); highest among the groups gnomAD compares: Non-Finnish European, 0.00068%; no homozygotes.

Submissions (9):

Labcorp Genetics (formerly Invitae), Labcorp
Classification: Uncertain significance for Hereditary breast ovarian cancer syndrome. Last evaluated: 2025-12-09. Review status: criteria provided, single submitter. Criteria: Invitae Variant Classification Sherloc (09022015). Collection method: clinical testing. Allele origin: germline.
Comment: This sequence change replaces valine, which is neutral and non-polar, with methionine, which is neutral and non-polar, at codon 3145 of the BRCA2 protein (p.Val3145Met). This variant is present in population databases (rs587776476, gnomAD 0.0009%). This variant has not been reported in the literature in individuals affected with BRCA2-related conditions. ClinVar contains an entry for this variant (Variation ID: 156180). Invitae Evidence Modeling of protein sequence and biophysical properties (such as structural, functional, and spatial information, amino acid conservation, physicochemical variation, residue mobility, and thermodynamic stability) indicates that this missense variant is not expected to disrupt BRCA2 protein function with a negative predictive value of 95%. In summary, the available evidence is currently insufficient to determine the role of this variant in disease. Therefore, it has been classified as a Variant of Uncertain Significance.

Blueprint Genetics
Classification: Likely benign. Last evaluated: 2024-11-05. Review status: criteria provided, single submitter. Criteria: ACMG Guidelines, 2015. Collection method: clinical testing. Allele origin: germline.

Ambry Genetics
Classification: Likely benign for Hereditary cancer-predisposing syndrome. Last evaluated: 2024-01-01. Review status: criteria provided, single submitter. Criteria: Ambry Variant Classification Scheme 2023. Collection method: clinical testing. Allele origin: germline.

Color Diagnostics, LLC DBA Color Health
Classification: Uncertain significance for Hereditary cancer-predisposing syndrome. Last evaluated: 2022-11-01. Review status: criteria provided, single submitter. Criteria: ACMG Guidelines, 2015. Collection method: clinical testing. Allele origin: germline.
Comment: This missense variant replaces valine with methionine at codon 3145 of the BRCA2 protein. Computational prediction is inconclusive regarding the impact of this variant on protein structure and function (internally defined REVEL score threshold 0.5 < inconclusive < 0.7, PMID: 27666373). To our knowledge, functional studies have not been reported for this variant. This variant has not been reported in individuals affected with hereditary cancer in the literature, but has been reported in 2 healthy controls (PMID: 33471991). This variant has been identified in 1/251342 chromosomes in the general population by the Genome Aggregation Database (gnomAD). The available evidence is insufficient to determine the role of this variant in disease conclusively. Therefore, this variant is classified as a Variant of Uncertain Significance.

GeneDx
Classification: Uncertain significance. Last evaluated: 2022-06-16. Review status: criteria provided, single submitter. Criteria: GeneDx Variant Classification Process June 2021. Collection method: clinical testing. Allele origin: germline. Affected: yes.
Comment: Not observed at significant frequency in large population cohorts (gnomAD); In silico analysis supports that this missense variant does not alter protein structure/function; Has not been previously published as pathogenic or benign to our knowledge; Also known as 9661G>A; This variant is associated with the following publications: (PMID: 12228710)

Sema4
Classification: Uncertain significance for Hereditary cancer-predisposing syndrome. Last evaluated: 2021-07-01. Review status: criteria provided, single submitter. Criteria: Sema4 Curation Guidelines. Collection method: curation. Allele origin: germline.
Comment: To the best of our knowledge, the BRCA2 c.9433G>A (p.V3145M) variant has not been reported in individuals with BRCA2-related disease. In a case-control study, this variant was identified in several healthy controls (PMID: 33471991). It was observed in 1/113678 chromosomes of the Non-Finnish European subpopulation in the large and broad cohorts of the Genome Aggregation Database (PMID: 32461654). The variant has been reported in ClinVar (Variation ID 156180). Functional studies have not been performed, and in silico predictions of the variant's effect on protein function are inconclusive. The evidence is insufficient to meet ACMG/AMP criteria for classifying the variant as benign or pathogenic. Thus, the clinical significance of this variant is currently uncertain.

PreventionGenetics, part of Exact Sciences
Classification: Uncertain significance for BRCA2-related condition. Last evaluated: 2024-07-17. Review status: no assertion criteria provided. Collection method: clinical testing. Allele origin: germline. Not counted in ClinVar's aggregate classification.
Comment: The BRCA2 c.9433G>A variant is predicted to result in the amino acid substitution p.Val3145Met. To our knowledge, this variant has not been reported in the literature. This variant is reported in 0.00088% of alleles in individuals of European (Non-Finnish) descent in gnomAD. In ClinVar, this variant has interpretations of likely benign (1) and uncertain (7). At this time, the clinical significance of this variant is uncertain due to the absence of conclusive functional and genetic evidence.

Counsyl
Classification: Uncertain significance for Breast-ovarian cancer, familial, susceptibility to, 2. Last evaluated: 2017-07-05. Review status: no assertion criteria provided. Collection method: clinical testing. Allele origin: unknown. Not counted in ClinVar's aggregate classification.

Sharing Clinical Reports Project (SCRP)
Classification: Uncertain significance for Breast-ovarian cancer, familial 2. Last evaluated: 2011-05-24. Review status: no assertion criteria provided. Collection method: clinical testing. Allele origin: germline. Not counted in ClinVar's aggregate classification.

Literature cited by the submitters: PubMed 33471991 (cited by Color Diagnostics, LLC DBA Color Health and Sema4).

NM_000059.4(BRCA2):c.9433G>A (p.Val3145Met)

Gene: BRCA2 (BRCA2 DNA repair associated; plus strand). Cytogenetic location: 13q13.1.
Variant type: single nucleotide variant.
Coding change: c.9433G>A on transcript NM_000059.4 (MANE Select); coding-DNA position 9433, G replaced by A.
Protein change: p.Val3145Met; replaces valine 3145 with methionine.
Molecular consequence: missense variant.
Genome position (GRCh38, 1-based): chr13:32,394,865, G>A. VCF-style: chr13-32394865-G-A. GRCh37 (hg19) VCF-style: chr13-32969002-G-A.
Other names: 9661G>A; short protein forms V3145M.
Identifiers: ClinVar variation 156180 (VCV000156180.25), dbSNP rs587776476, ClinGen allele CA026154.